The following is an entry in ClinVar:

NM_003906.5(MCM3AP):c.3336-6G>A

Gene: MCM3AP (minichromosome maintenance complex component 3 associated protein; minus strand). Cytogenetic location: 21q22.3.
Variant type: single nucleotide variant.
Coding change: c.3336-6G>A on transcript NM_003906.5 (MANE Select); 6 bases into the intron before coding-DNA position 3336, G replaced by A.
Molecular consequence: intron variant.
Genome position (GRCh38, 1-based): chr21:46,261,417, C>T on the plus strand (G>A on the coding strand, the complement: MCM3AP is on the minus strand). VCF-style: chr21-46261417-C-T. GRCh37 (hg19) VCF-style: chr21-47681331-C-T.
Other names: p.?.
Identifiers: ClinVar variation 1594614 (VCV001594614.10), dbSNP rs769831814, ClinGen allele CA321985060.

ClinVar aggregate classification (germline): Likely benign. Review status: criteria provided, multiple submitters, no conflicts (2 of 4 stars). 2 submissions from 2 submitters: Likely benign (2). Last evaluated 2025-10-22.

Allele frequency attached by ClinVar (database versions not stated): TOPMed below 0.00001; gnomAD 0.00001.
gnomAD v4.1: 34 of 1,613,438 alleles (0.0021%); highest among the groups gnomAD compares: African/African-American, 0.0027%; no homozygotes.

Submissions (2):

Mayo Clinic Laboratories, Mayo Clinic
Classification: Likely benign. Last evaluated: 2025-10-22. Review status: criteria provided, single submitter. Criteria: ACMG Guidelines, 2015. Collection method: clinical testing. Allele origin: germline. Observed: 1 variant allele.
Comment: BP4, BP7

Labcorp Genetics (formerly Invitae), Labcorp
Classification: Likely benign. Last evaluated: 2024-04-06. Review status: criteria provided, single submitter. Criteria: Invitae Variant Classification Sherloc (09022015). Collection method: clinical testing. Allele origin: germline.